The following is an entry in ClinVar:

ClinVar aggregate classification (germline): Uncertain significance (1 of 4 stars; one submission).

Conditions:
Cardiomyopathy (CMYO). Also called: Cardiomyopathies. Identifiers: Orphanet 167848, MedGen C0878544, MONDO:0004994, HP:0001638. Inheritance: Various modes of inheritance.

gnomAD v4.1: 3 of 1,613,912 alleles (0.00019%); highest among the groups gnomAD compares: East Asian, 0.0022%; no homozygotes.

Submission:

Color Diagnostics, LLC DBA Color Health
Classification: Uncertain significance for Cardiomyopathy. Last evaluated: 2025-06-23. Review status: criteria provided, single submitter. Criteria: ACMG Guidelines, 2015. Collection method: clinical testing. Allele origin: germline.
Comment: This missense variant replaces glutamic acid with glutamine at codon 1865 of the RYR2 protein. Computational prediction suggests that this variant may not impact protein structure and function. To our knowledge, functional studies have not been reported for this variant. This variant has not been reported in individuals affected with RYR2-related disorders in the literature. This variant has not been identified in the general population by the Genome Aggregation Database (gnomAD). The available evidence is insufficient to determine the role of this variant in disease conclusively. Therefore, this variant is classified as a Variant of Uncertain Significance.

NM_001035.3(RYR2):c.5593G>C (p.Glu1865Gln)

Gene: RYR2 (ryanodine receptor 2; plus strand). Cytogenetic location: 1q43.
Variant type: single nucleotide variant.
Coding change: c.5593G>C on transcript NM_001035.3 (MANE Select); coding-DNA position 5593, G replaced by C.
Protein change: p.Glu1865Gln; replaces glutamic acid 1865 with glutamine.
Molecular consequence: missense variant.
Genome position (GRCh38, 1-based): chr1:237,614,721, G>C. VCF-style: chr1-237614721-G-C. GRCh37 (hg19) VCF-style: chr1-237778021-G-C.
Other names: short protein forms E1865Q.
Identifiers: ClinVar variation 4757203 (VCV004757203.1).
Genomic context (GRCh38, chr1:237,614,721, plus strand): 5'-TTGATTGAGCCCAGTGTGTTTAAAGAAGCTGCCACTCCGGAGGAGGAGAGTGACACGCTG[G>C]AGAAAGAGCTCAGTGTGGACGATGCAAAGCTGCAAGGAGCTGGTGAGGAAGAAGCCAAGG-3'
Protein context (NP_001026.2, residues 1855-1875): ATPEEESDTL[Glu1865Gln]KELSVDDAKL